The following is an entry in ClinVar:

NM_015512.5(DNAH1):c.2998G>A (p.Glu1000Lys)

Gene: DNAH1 (dynein axonemal heavy chain 1; plus strand). Cytogenetic location: 3p21.1.
Variant type: single nucleotide variant.
Coding change: c.2998G>A on transcript NM_015512.5 (MANE Select); coding-DNA position 2998, G replaced by A.
Protein change: p.Glu1000Lys; replaces glutamic acid 1000 with lysine.
Molecular consequence: missense variant.
Genome position (GRCh38, 1-based): chr3:52,352,678, G>A. VCF-style: chr3-52352678-G-A. GRCh37 (hg19) VCF-style: chr3-52386694-G-A.
Other names: short protein forms E1000K.
Identifiers: ClinVar variation 575251 (VCV000575251.5), dbSNP rs541642930, ClinGen allele CA2433450.

ClinVar aggregate classification (germline): Uncertain significance (1 of 4 stars; one submission).

Conditions:
Ciliary dyskinesia, primary, 37 (CILD37). Also called: CILIARY DYSKINESIA, PRIMARY, 37, WITH OR WITHOUT SITUS INVERSUS. Identifiers: MedGen C4539798, MONDO:0033204, OMIM 617577.
Spermatogenic failure 18. Identifiers: MedGen C4539783, MONDO:0054615, OMIM 617576.

Allele frequency attached by ClinVar (database versions not stated): gnomAD exomes 0.00002; ExAC 0.00003; gnomAD 0.00003; TOPMed 0.00003; 1000 Genomes Project 30x 0.00016; 1000 Genomes Project 0.00020.
gnomAD v4.1: 35 of 1,612,676 alleles (0.0022%); highest among the groups gnomAD compares: Middle Eastern, 0.033%; 1 homozygote.

Submission:

Labcorp Genetics (formerly Invitae), Labcorp
Classification: Uncertain significance for Ciliary dyskinesia, primary, 37; Spermatogenic failure 18. Last evaluated: 2022-08-05. Review status: criteria provided, single submitter. Criteria: Invitae Variant Classification Sherloc (09022015). Collection method: clinical testing. Allele origin: germline.
Comment: This sequence change replaces glutamic acid, which is acidic and polar, with lysine, which is basic and polar, at codon 1000 of the DNAH1 protein (p.Glu1000Lys). This variant is present in population databases (rs541642930, gnomAD 0.005%). This variant has not been reported in the literature in individuals affected with DNAH1-related conditions. ClinVar contains an entry for this variant (Variation ID: 575251). Algorithms developed to predict the effect of missense changes on protein structure and function (SIFT, PolyPhen-2, Align-GVGD) all suggest that this variant is likely to be disruptive. In summary, the available evidence is currently insufficient to determine the role of this variant in disease. Therefore, it has been classified as a Variant of Uncertain Significance.